The following is an entry in ClinVar:

NM_000051.4(ATM):c.4133C>T (p.Pro1378Leu)

Gene: ATM (ATM serine/threonine kinase; plus strand). Cytogenetic location: 11q22.3.
Variant type: single nucleotide variant.
Coding change: c.4133C>T on transcript NM_000051.4 (MANE Select); coding-DNA position 4133, C replaced by T.
Protein change: p.Pro1378Leu; replaces proline 1378 with leucine.
Molecular consequence: missense variant.
Genome position (GRCh38, 1-based): chr11:108,289,000, C>T. VCF-style: chr11-108289000-C-T. GRCh37 (hg19) VCF-style: chr11-108159727-C-T.
Other names: c.4133C>T, p.Pro1378Leu (NM_001351834.2); short protein forms P1378L.
Identifiers: ClinVar variation 230438 (VCV000230438.30), dbSNP rs750771205, ClinGen allele CA6265408.

ClinVar aggregate classification (germline): Uncertain significance. Review status: criteria provided, multiple submitters, no conflicts (2 of 4 stars). 6 submissions from 6 submitters: Uncertain significance (5). 1 of the submissions does not count toward it. Last evaluated 2026-01-14.

Conditions:
Hereditary cancer-predisposing syndrome. Also called: Hereditary Cancer Syndrome; Neoplastic Syndromes, Hereditary; Tumor predisposition; Hereditary neoplastic syndrome. Identifiers: Orphanet 140162, MedGen C0027672, MeSH D009386, MONDO:0015356.
Ataxia-telangiectasia syndrome (AT). Also called: Ataxia telangiectasia (A-T); Ataxia-telangiectasia, complementation group E; LOUIS-BAR SYNDROME; Cerebello-oculocutaneous telangiectasia; Immunodeficiency with ataxia telangiectasia; Ataxia-telangiectasia, complementation group D. Identifiers: Orphanet 100, MedGen C0004135, MONDO:0008840, OMIM 208900.
Familial cancer of breast. Also called: Hereditary breast cancer; hereditary breast carcinoma; BREAST CANCER, FAMILIAL. Identifiers: Orphanet 227535, MedGen C0346153, MONDO:0016419, OMIM 114480. Disease mechanism: loss of function.

Allele frequency attached by ClinVar (database versions not stated): gnomAD exomes below 0.00001 and 0.00001; ExAC 0.00001; gnomAD 0.00002.
gnomAD v4.1: 8 of 1,613,384 alleles (0.0005%); highest among the groups gnomAD compares: Admixed American, 0.0017%; no homozygotes.

Submissions (6):

Labcorp Genetics (formerly Invitae), Labcorp
Classification: Uncertain significance for Ataxia-telangiectasia syndrome. Last evaluated: 2026-01-14. Review status: criteria provided, single submitter. Criteria: Invitae Variant Classification Sherloc (09022015). Collection method: clinical testing. Allele origin: germline.
Comment: This sequence change replaces proline, which is neutral and non-polar, with leucine, which is neutral and non-polar, at codon 1378 of the ATM protein (p.Pro1378Leu). This variant is present in population databases (rs750771205, gnomAD 0.003%). This variant has not been reported in the literature in individuals affected with ATM-related conditions. ClinVar contains an entry for this variant (Variation ID: 230438). Invitae Evidence Modeling of protein sequence and biophysical properties (such as structural, functional, and spatial information, amino acid conservation, physicochemical variation, residue mobility, and thermodynamic stability) has been performed for this missense variant. However, the output from this modeling did not meet the statistical confidence thresholds required to predict the impact of this variant on ATM protein function. In summary, the available evidence is currently insufficient to determine the role of this variant in disease. Therefore, it has been classified as a Variant of Uncertain Significance.

Ambry Genetics
Classification: Uncertain significance for Hereditary cancer-predisposing syndrome. Last evaluated: 2024-12-19. Review status: criteria provided, single submitter. Criteria: Ambry Variant Classification Scheme 2023. Collection method: clinical testing. Allele origin: germline.
Comment: The p.P1378L variant (also known as c.4133C>T), located in coding exon 27 of the ATM gene, results from a C to T substitution at nucleotide position 4133. The proline at codon 1378 is replaced by leucine, an amino acid with similar properties. This alteration was identified in an individual diagnosed with breast cancer (Kurkilahti V et al. Cancers (Basel), 2024 Aug;16:). This amino acid position is highly conserved in available vertebrate species. In addition, the in silico prediction for this alteration is inconclusive. Based on the available evidence, the clinical significance of this variant remains unclear.

GeneDx
Classification: Uncertain significance. Last evaluated: 2024-06-26. Review status: criteria provided, single submitter. Criteria: GeneDx Variant Classification Process June 2021. Collection method: clinical testing. Allele origin: germline. Affected: yes.
Comment: Not observed at significant frequency in large population cohorts (gnomAD); In silico analysis supports that this missense variant has a deleterious effect on protein structure/function; Has not been previously published as pathogenic or benign to our knowledge; This variant is associated with the following publications: (PMID: 19781682)

Baylor Genetics
Classification: Uncertain significance for Familial cancer of breast. Last evaluated: 2024-03-21. Review status: criteria provided, single submitter. Criteria: ACMG Guidelines, 2015. Collection method: clinical testing. Allele origin: unknown.

Color Diagnostics, LLC DBA Color Health
Classification: Uncertain significance for Hereditary cancer-predisposing syndrome. Last evaluated: 2023-12-05. Review status: criteria provided, single submitter. Criteria: ACMG Guidelines, 2015. Collection method: clinical testing. Allele origin: germline.
Comment: This missense variant replaces proline with leucine at codon 1378 of the ATM protein. Computational prediction is inconclusive regarding the impact of this variant on protein structure and function (internally defined REVEL score threshold 0.5 < inconclusive < 0.7, PMID: 27666373). To our knowledge, functional studies have not been reported for this variant. This variant has not been reported in individuals affected with ATM-related disorders in the literature. This variant has been identified in 5/282674 chromosomes in the general population by the Genome Aggregation Database (gnomAD). The available evidence is insufficient to determine the role of this variant in disease conclusively. Therefore, this variant is classified as a Variant of Uncertain Significance.

Natera, Inc.
Classification: Uncertain significance for Ataxia-telangiectasia. Last evaluated: 2021-04-07. Review status: no assertion criteria provided. Collection method: clinical testing. Allele origin: germline. Not counted in ClinVar's aggregate classification.

Literature cited by the submitters: PubMed 39272813 (cited by Ambry Genetics).